The following is an entry in ClinVar:

NM_020988.3(GNAO1):c.620C>T (p.Ser207Phe)

Gene: GNAO1 (G protein subunit alpha o1; plus strand). Cytogenetic location: 16q13.
Variant type: single nucleotide variant.
Coding change: c.620C>T on transcript NM_020988.3 (MANE Select); coding-DNA position 620, C replaced by T.
Protein change: p.Ser207Phe; replaces serine 207 with phenylalanine.
Molecular consequence: missense variant.
Genome position (GRCh38, 1-based): chr16:56,336,757, C>T. VCF-style: chr16-56336757-C-T. GRCh37 (hg19) VCF-style: chr16-56370669-C-T.
Other names: c.620C>T, p.Ser207Phe (NM_138736.3); c.620C>T (NM_020988.2); short protein forms S207F.
Identifiers: ClinVar variation 1685854 (VCV001685854.2), dbSNP rs1057518440, ClinGen allele CA395952189.

ClinVar aggregate classification (germline): Pathogenic/Likely pathogenic. Review status: criteria provided, multiple submitters, no conflicts (2 of 4 stars). 2 submissions from 2 submitters: Pathogenic (1); Likely pathogenic (1). Last evaluated 2024-06-26.

Conditions:
Developmental and epileptic encephalopathy, 17 (DEE17). Also called: Early infantile epileptic encephalopathy 17. Identifiers: Orphanet 1934, MedGen C3809606, MONDO:0014199, OMIM 615473.

Submissions (2):

GeneDx
Classification: Likely pathogenic. Last evaluated: 2024-06-26. Review status: criteria provided, single submitter. Criteria: GeneDx Variant Classification Process June 2021. Collection method: clinical testing. Allele origin: germline. Affected: yes.
Comment: In silico analysis supports that this missense variant has a deleterious effect on protein structure/function; Not observed at significant frequency in large population cohorts (gnomAD); This variant is associated with the following publications: (PMID: 32044685, 36247896, 35509770, 37142469, 36223877)

Mendelics
Classification: Pathogenic for Developmental and epileptic encephalopathy, 17. Last evaluated: 2022-05-04. Review status: criteria provided, single submitter. Criteria: Mendelics Assertion Criteria 2019. Collection method: clinical testing. Allele origin: germline.